The following is an entry in ClinVar:

NM_000552.5(VWF):c.4414G>T (p.Asp1472Tyr)

Gene: VWF (von Willebrand factor; minus strand). Cytogenetic location: 12p13.31.
Variant type: single nucleotide variant.
Coding change: c.4414G>T on transcript NM_000552.5 (MANE Select); coding-DNA position 4414, G replaced by T.
Protein change: p.Asp1472Tyr; replaces aspartic acid 1472 with tyrosine.
Molecular consequence: missense variant.
Genome position (GRCh38, 1-based): chr12:6,019,004, C>A on the plus strand (G>T on the coding strand, the complement: VWF is on the minus strand). VCF-style: chr12-6019004-C-A. GRCh37 (hg19) VCF-style: chr12-6128170-C-A.
Other names: p.Asp1472Tyr; c.4414G>T (NM_000552.4); short protein forms D1472Y.
Identifiers: ClinVar variation 3342579 (VCV003342579.7).

ClinVar aggregate classification (germline): Conflicting classifications of pathogenicity. Review status: criteria provided, conflicting classifications (1 of 4 stars). 6 submissions from 6 submitters: Uncertain significance (3); Likely benign (2). 1 of the submissions does not count toward it. Last evaluated 2026-03-24.

Conditions:
VWF-related disorder. Also called: VWF-related disorders; VWF-related condition.

gnomAD v4.1: 419 of 1,613,460 alleles (0.026%); highest among the groups gnomAD compares: African/African-American, 0.52%; 1 homozygote.

Submissions (6):

GeneDx
Classification: Uncertain significance. Last evaluated: 2026-03-24. Review status: criteria provided, single submitter. Criteria: GeneDx Variant Classification Process June 2021. Collection method: clinical testing. Allele origin: germline.
Comment: Reported in an individual with hemophilia who also harbored other variants in VWF and F8 (PMID: 34708896); In silico analysis suggests that this missense variant does not alter protein structure/function; This variant is associated with the following publications: (PMID: 34708896)

Women's Health and Genetics/Laboratory Corporation of America, LabCorp
Classification: Likely benign. Last evaluated: 2025-12-09. Review status: criteria provided, single submitter. Criteria: LabCorp Variant Classification Summary - May 2015. Collection method: clinical testing. Allele origin: germline.
Comment: Variant summary: VWF c.4414G>T (p.Asp1472Tyr) results in a non-conservative amino acid change in the encoded protein sequence. Algorithms developed to predict the effect of missense changes on protein structure and function are either unavailable or do not agree on the potential impact of this missense change. The variant allele was found at a frequency of 0.00027 in 248378 control chromosomes, predominantly at a frequency of 0.0041 within the African or African-American subpopulation in the gnomAD database. The observed variant frequency within African or African-American control individuals in the gnomAD database exceeds the estimated maximal expected allele frequency for disease-causing variants in VWF. c.4414G>T has been observed in individual(s) affected with Haemophilia A (Borras_2022). These report(s) do not provide unequivocal conclusions about association of the variant with Von Willebrand Disease. To our knowledge, no experimental evidence demonstrating an impact on protein function has been reported. The following publication have been ascertained in the context of this evaluation (PMID: 34708896). No submitters have cited clinical-significance assessments for this variant to ClinVar. Based on the evidence outlined above, the variant was classified as likely benign.

Quest Diagnostics Nichols Institute San Juan Capistrano
Classification: Uncertain significance. Last evaluated: 2025-07-28. Review status: criteria provided, single submitter. Criteria: Quest Diagnostics criteria. Collection method: clinical testing. Allele origin: unknown.
Comment: The VWF c.4414G>T (p.Asp1472Tyr) variant has been reported in an individual with Hemophilia in the published literature (PMID: 34708896 (2021)). The frequency of this variant in the general population (Genome Aggregation Database) is uninformative in the assessment of its pathogenicity. Analysis of this variant using bioinformatics tools for the prediction of the effect of amino acid changes on protein structure and function yielded predictions that this variant is benign. Based on the available information, we are unable to determine the clinical significance of this variant.

ARUP Laboratories, Molecular Genetics and Genomics, ARUP Laboratories
Classification: Uncertain significance. Last evaluated: 2025-06-27. Review status: criteria provided, single submitter. Criteria: ARUP Molecular Germline Variant Investigation Process 2024. Collection method: clinical testing. Allele origin: germline.
Comment: The VWF c.4414G>T; p.Asp1472Tyr variant (rs1800383, ClinVar Variation ID: 3342579) is reported in the literature in an individual affected with hemophilia that also carried other VWF variants and a familial F8 variant that may explain the phenotype (Borras 2022). Additionally, this variant has been reported in an individual with VWD 2M that also carried p.Val1439Met (Dubois 2025). The p.Asp1472Tyr variant is found in the African/African-American population with an allele frequency of 0.44% (104/23,712 alleles) in the Genome Aggregation Database (v2.1.1). Computational analyses are uncertain whether this variant is neutral or deleterious (REVEL: 0.214). Due to limited information, the clinical significance of this variant is uncertain at this time. References: Borras N et al. Molecular study of a large cohort of 109 haemophilia patients from Cuba using a gene panel with next generation sequencing-based technology. Haemophilia. 2022 Jan;28(1):125-137. PMID: 34708896. Dubois MD et al. Clinical, Phenotypic and Genotypic Characteristics of Von Willebrand Disease in Afro-Caribbeans: Results From a Study in Martinique Island, French West Indies. Haemophilia. 2025 May;31(3):458-476. PMID: 40123275.

Mayo Clinic Laboratories, Mayo Clinic
Classification: Likely benign. Last evaluated: 2024-12-11. Review status: criteria provided, single submitter. Criteria: ACMG Guidelines, 2015. Collection method: clinical testing. Allele origin: germline. Observed: 1 variant allele.
Comment: BS1_supporting, BP4

PreventionGenetics, part of Exact Sciences
Classification: Uncertain significance for VWF-related condition. Last evaluated: 2024-08-04. Review status: no assertion criteria provided. Collection method: clinical testing. Allele origin: germline. Not counted in ClinVar's aggregate classification.
Comment: The VWF c.4414G>T variant is predicted to result in the amino acid substitution p.Asp1472Tyr. This variant has been reported in a cohort study of individuals with hemophilia (Borràs et al. 2021. PubMed ID: 34708896). This variant is reported in 0.44% of alleles in individuals of African descent in gnomAD. At this time, the clinical significance of this variant is uncertain due to the absence of conclusive functional and genetic evidence.

Literature cited by the submitters: PubMed 34708896 (cited by 3 submitters).